The following is an entry in ClinVar:

ClinVar aggregate classification (germline): Uncertain significance (1 of 4 stars; one submission).

Allele frequency attached by ClinVar (database versions not stated): gnomAD exomes 0.00001 and 0.00002; TOPMed 0.00001; gnomAD 0.00003; ExAC 0.00005.
gnomAD v4.1: 39 of 1,536,560 alleles (0.0025%); highest among the groups gnomAD compares: African/African-American, 0.0042%; no homozygotes.

Submission:

GeneDx
Classification: Uncertain significance. Last evaluated: 2020-11-13. Review status: criteria provided, single submitter. Criteria: GeneDx Variant Classification Process June 2021. Collection method: clinical testing. Allele origin: germline. Affected: yes.
Comment: Not observed at a significant frequency in large population cohorts (Lek et al., 2016); In silico analysis, which includes protein predictors and evolutionary conservation, supports a deleterious effect; Has not been previously published as pathogenic or benign to our knowledge

NM_001377.3(DYNC2H1):c.3110A>T (p.Lys1037Ile)

Gene: DYNC2H1 (dynein cytoplasmic 2 heavy chain 1; plus strand). Cytogenetic location: 11q22.3.
Variant type: single nucleotide variant.
Coding change: c.3110A>T on transcript NM_001377.3 (MANE Select); coding-DNA position 3110, A replaced by T.
Protein change: p.Lys1037Ile; replaces lysine 1037 with isoleucine.
Molecular consequence: missense variant.
Genome position (GRCh38, 1-based): chr11:103,153,316, A>T. VCF-style: chr11-103153316-A-T. GRCh37 (hg19) VCF-style: chr11-103024045-A-T.
Other names: c.3110A>T, p.Lys1037Ile (NM_001080463.2); short protein forms K1037I.
Identifiers: ClinVar variation 1319043 (VCV001319043.2), dbSNP rs768433759, ClinGen allele CA6253265.